The following is an entry in ClinVar:

NM_001430.5(EPAS1):c.2285A>G (p.Asn762Ser)

Gene: EPAS1 (endothelial PAS domain protein 1; plus strand). Cytogenetic location: 2p21.
Variant type: single nucleotide variant.
Coding change: c.2285A>G on transcript NM_001430.5 (MANE Select); coding-DNA position 2285, A replaced by G.
Protein change: p.Asn762Ser; replaces asparagine 762 with serine.
Molecular consequence: missense variant.
Genome position (GRCh38, 1-based): chr2:46,382,087, A>G. VCF-style: chr2-46382087-A-G. GRCh37 (hg19) VCF-style: chr2-46609226-A-G.
Other names: short protein forms N762S.
Identifiers: ClinVar variation 1788999 (VCV001788999.2), dbSNP rs372745004, ClinGen allele CA1645284.
Genomic context (GRCh38, chr2:46,382,087, plus strand): 5'-ACCTCAGGGGTGGGAGCTGCCCTTTGATGCCGGACAAGCCACTGAGCGCAAATGTACCCA[A>G]TGGTGAGCAGCGGCCACAGGCCTGGGCCTCCTGGGGGTTCTGGTGGAAGGACTGGGGCTC-3'
Protein context (NP_001421.2, residues 752-772): PDKPLSANVP[Asn762Ser]DKFTQNPMRG

ClinVar aggregate classification (germline): Uncertain significance (1 of 4 stars; one submission).

Conditions:
Inborn genetic diseases. Identifiers: MedGen C0950123, MeSH D030342.

Allele frequency attached by ClinVar (database versions not stated): TOPMed 0.00001; ExAC 0.00002; ESP Exome Variant Server 0.00008.
gnomAD v4.1: 5 of 1,613,372 alleles (0.00031%); highest among the groups gnomAD compares: Admixed American, 0.0033%; no homozygotes.

Submission:

Ambry Genetics
Classification: Uncertain significance for Inborn genetic diseases. Last evaluated: 2024-03-16. Review status: criteria provided, single submitter. Criteria: Ambry Variant Classification Scheme 2023. Collection method: clinical testing. Allele origin: germline.
Comment: The p.N762S variant (also known as c.2285A>G), located in coding exon 14 of the EPAS1 gene, results from an A to G substitution at nucleotide position 2285. The asparagine at codon 762 is replaced by serine, an amino acid with highly similar properties. This amino acid position is conserved. In addition, this alteration is predicted to be tolerated by in silico analysis. Since supporting evidence is limited at this time, the clinical significance of this alteration remains unclear.